The following is an entry in ClinVar:

NM_022489.4(INF2):c.1343G>A (p.Ser448Asn)

Gene: INF2 (inverted formin 2; plus strand). Cytogenetic location: 14q32.33.
Variant type: single nucleotide variant.
Coding change: c.1343G>A on transcript NM_022489.4 (MANE Select); coding-DNA position 1343, G replaced by A.
Protein change: p.Ser448Asn; replaces serine 448 with asparagine.
Molecular consequence: missense variant. On other transcripts: non-coding transcript variant (1).
Genome position (GRCh38, 1-based): chr14:104,707,610, G>A. VCF-style: chr14-104707610-G-A. GRCh37 (hg19) VCF-style: chr14-105173947-G-A.
Other names: c.1343G>A, p.Ser448Asn (NM_001031714.4, NM_001426862.1, NM_001426863.1 and 2 more transcripts); short protein forms S448N.
Identifiers: ClinVar variation 4685790 (VCV004685790.1).

ClinVar aggregate classification (germline): Uncertain significance (1 of 4 stars; one submission).

Submission:

ARUP Laboratories, Molecular Genetics and Genomics, ARUP Laboratories
Classification: Uncertain significance. Last evaluated: 2025-05-02. Review status: criteria provided, single submitter. Criteria: ARUP Molecular Germline Variant Investigation Process 2024. Collection method: clinical testing. Allele origin: germline.
Comment: The INF2 c.1343G>A; p.Ser448Asn variant, to our knowledge, is not reported in the medical literature or gene specific databases. This variant is also absent from the Genome Aggregation Database (v2.1.1), indicating it is not a common polymorphism. Computational analyses predict that this variant is neutral (REVEL: 0.103). Due to limited information, the clinical significance of this variant is uncertain at this time.